The following is an entry in ClinVar:

NM_000329.3(RPE65):c.10del (p.Gln4fs)

Gene: RPE65 (retinoid isomerohydrolase RPE65; minus strand). Cytogenetic location: 1p31.3.
Variant type: Deletion.
Coding change: c.10del on transcript NM_000329.3 (MANE Select); coding-DNA position 10, one base deleted (C; older notation c.10delC).
Protein change: p.Gln4fs; shifts the reading frame from glutamine 4.
Molecular consequence: frameshift variant.
Genome position (GRCh38, 1-based): chr1:68,449,896, G deleted on the plus strand (C on the coding strand, the reverse complement: RPE65 is on the minus strand); the first of 2 consecutive G bases (chr1:68,449,896-68,449,897); deleting either gives the same sequence. VCF-style (leftmost placement, unchanged base first): chr1-68449895-TG-T. GRCh37 (hg19) VCF-style: chr1-68915578-TG-T.
Other names: short protein forms Q4fs.
Identifiers: ClinVar variation 569113 (VCV000569113.12), dbSNP rs747393487, ClinGen allele CA902658.

ClinVar aggregate classification (germline): Pathogenic/Likely pathogenic. Review status: criteria provided, multiple submitters, no conflicts (2 of 4 stars). 6 submissions from 6 submitters: Pathogenic (3); Likely pathogenic (3). Last evaluated 2025-10-17.

Conditions:
RPE65-related recessive retinopathy. Also called: Recessive RPE65 retinopathy. Identifiers: MedGen CN305526, MONDO:0100368.
RPE65-related disorder. Also called: RPE65-related condition; RPE65-related disorders. Identifiers: MedGen CN239301.
Leber congenital amaurosis (LCA). Also called: Leber's amaurosis. Identifiers: Orphanet 65, MedGen C0339527, MeSH D057130, MONDO:0018998.
Leber congenital amaurosis 2 (LCA2). Also called: AMAUROSIS CONGENITA OF LEBER II; Autosomal Recessive RPE65-Related Retinal Degeneration. Identifiers: Orphanet 65, MedGen C1859844, MONDO:0008765, OMIM 204100. Disease mechanism: loss of function.
Retinitis pigmentosa 20 (RP20). Identifiers: Orphanet 791, MedGen C3151086, MONDO:0013425, OMIM 613794.

Submissions (6):

Natera, Inc.
Classification: Likely pathogenic for Leber congenital amaurosis. Last evaluated: 2025-10-17. Review status: criteria provided, single submitter. Criteria: Natera Variant Classification Schema (03/2026). Collection method: clinical testing. Allele origin: germline.
Comment: The c.10delC variant in RPE65 is a frameshift variant predicted to shift the reading frame beginning at codon 4 and leads to a stop codon 27 codons downstream. This variant is expected to result in nonsense mediated decay, truncation, or a dysfunctional protein product. This variant is rare in the general population with a frequency below the threshold expected for the associated phenotype(s). Given the available evidence, this variant is classified as Likely Pathogenic.

Labcorp Genetics (formerly Invitae), Labcorp
Classification: Pathogenic for Leber congenital amaurosis 2; Retinitis pigmentosa 20. Last evaluated: 2025-08-30. Review status: criteria provided, single submitter. Criteria: Invitae Variant Classification Sherloc (09022015). Collection method: clinical testing. Allele origin: germline.
Comment: This sequence change creates a premature translational stop signal (p.Gln4Argfs*27) in the RPE65 gene. It is expected to result in an absent or disrupted protein product. Loss-of-function variants in RPE65 are known to be pathogenic (PMID: 9326941, 9501220, 9843205, 18632300). This variant is present in population databases (rs747393487, gnomAD 0.03%). This variant has not been reported in the literature in individuals affected with RPE65-related conditions. ClinVar contains an entry for this variant (Variation ID: 569113). For these reasons, this variant has been classified as Pathogenic.

Myriad Genetics, Inc.
Classification: Pathogenic for RPE65-related recessive retinopathy. Last evaluated: 2024-05-06. Review status: criteria provided, single submitter. Criteria: Myriad Autosomal Dominant, Autosomal Recessive and X-Linked Classification Criteria (2023). Collection method: clinical testing. Allele origin: unknown.
Comment: NM_000329.2(RPE65):c.10delC(Q4Rfs*27) is expected to be pathogenic in the context of inherited retinal dystrophy, RPE65-related. This variant is predicted to lead to an abnormal or absent protein product due to the creation of a premature termination codon in RPE65, a gene where loss-of-function variants are known to be pathogenic. Please note: this variant was assessed in the context of healthy population screening.

Baylor Genetics
Classification: Likely pathogenic for Leber congenital amaurosis 2. Last evaluated: 2024-02-24. Review status: criteria provided, single submitter. Criteria: ACMG Guidelines, 2015. Collection method: clinical testing. Allele origin: unknown.

3billion
Classification: Pathogenic for Retinitis pigmentosa 20. Last evaluated: 2023-12-03. Review status: criteria provided, single submitter. Criteria: ACMG Guidelines, 2015. Collection method: clinical testing. Allele origin: germline. Affected: yes.
Comment: The variant is observed at an extremely low frequency in the gnomAD v2.1.1 dataset (total allele frequency: 0.002%). Predicted Consequence/Location: Frameshift: predicted to result in a loss or disruption of normal protein function through nonsense-mediated decay (NMD) or protein truncation. Multiple pathogenic variants are reported downstream of the variant. The variant has been reported to be associated with RPE65 related disorder (ClinVar ID: VCV000569113 /PMID: 31429209). Therefore, this variant is classified as Pathogenic according to the recommendation of ACMG/AMP guideline.

Blueprint Genetics
Classification: Likely pathogenic for RPE65-related disorders. Last evaluated: 2022-08-30. Review status: criteria provided, single submitter. Criteria: ACMG Guidelines, 2015. Collection method: clinical testing. Allele origin: germline. Affected: yes. Observed: 2 variant alleles.

Literature cited by the submitters: PubMed 9326941 (cited by Labcorp Genetics (formerly Invitae), Labcorp); PubMed 9501220 (cited by Labcorp Genetics (formerly Invitae), Labcorp); PubMed 9843205 (cited by Labcorp Genetics (formerly Invitae), Labcorp); PubMed 18632300 (cited by Labcorp Genetics (formerly Invitae), Labcorp); PubMed 31429209 (cited by 3billion).